The following is an entry in ClinVar:

ClinVar aggregate classification (germline): Conflicting classifications of pathogenicity. Review status: criteria provided, conflicting classifications (1 of 4 stars). 5 submissions from 5 submitters: Uncertain significance (2); Likely benign (3). Last evaluated 2025-12-01.

Conditions:
Palmoplantar keratoderma, punctate type 1A (PPKP1A). Also called: PALMOPLANTAR KERATODERMA, PUNCTATE TYPE IA. Identifiers: Orphanet 79501, MedGen CN031225, MONDO:0007858, OMIM 148600.

Allele frequency attached by ClinVar (database versions not stated): 1000 Genomes Project 30x 0.00062; TOPMed 0.00040; gnomAD 0.00042 and 0.00038; ExAC 0.00079; gnomAD exomes 0.00054 and 0.00073; 1000 Genomes Project 0.00080; ESP Exome Variant Server 0.00042.
gnomAD v4.1: 860 of 1,613,570 alleles (0.053%); highest among the groups gnomAD compares: Middle Eastern, 0.26%; 1 homozygote.

Submissions (5):

Labcorp Genetics (formerly Invitae), Labcorp
Classification: Uncertain significance. Last evaluated: 2025-12-01. Review status: criteria provided, single submitter. Criteria: Invitae Variant Classification Sherloc (09022015). Collection method: clinical testing. Allele origin: germline.
Comment: This sequence change replaces valine, which is neutral and non-polar, with isoleucine, which is neutral and non-polar, at codon 139 of the AAGAB protein (p.Val139Ile). This variant is present in population databases (rs138601241, gnomAD 0.3%), and has an allele count higher than expected for a pathogenic variant. This missense change has been observed in individual(s) with punctate palmoplantar keratoderma (PMID: 26608363). It has also been observed to segregate with disease in related individuals. ClinVar contains an entry for this variant (Variation ID: 1510379). An algorithm developed to predict the effect of missense changes on protein structure and function (PolyPhen-2) suggests that this variant is likely to be disruptive. In summary, the available evidence is currently insufficient to determine the role of this variant in disease. Therefore, it has been classified as a Variant of Uncertain Significance.

Blueprint Genetics
Classification: Likely benign. Last evaluated: 2024-10-25. Review status: criteria provided, single submitter. Criteria: ACMG Guidelines, 2015. Collection method: clinical testing. Allele origin: germline.

Dr.Nikuei Genetic Center
Classification: Likely benign for Palmoplantar keratoderma, punctate type 1A. Last evaluated: 2024-06-21. Review status: criteria provided, single submitter. Criteria: ACMG Guidelines, 2015. Collection method: clinical testing. Allele origin: germline. Affected: no.

Fulgent Genetics
Classification: Uncertain significance for Palmoplantar keratoderma, punctate type 1A. Last evaluated: 2022-01-14. Review status: criteria provided, single submitter. Criteria: ACMG Guidelines, 2015. Collection method: clinical testing. Allele origin: unknown.

Medical Genetics Laboratory, Niloo Shiraz Laboratory
Classification: Likely benign for Palmoplantar keratoderma, punctate type 1A. Review status: criteria provided, single submitter. Criteria: ACMG Guidelines, 2015. Collection method: clinical testing. Allele origin: germline. Inheritance: Autosomal dominant inheritance. Affected: no.
Comment: The variant AAGAB:NM_001271885:exon4:c.G88A:p.V30I has been observed in multiple individuals in our population (Niloo-exome) and exhibits a high allele frequency in the gnomAD database. Based on our observations and the ACMG classification (likely-benign), this variant is considered benign.

Literature cited by the submitters: PubMed 26608363 (cited by Labcorp Genetics (formerly Invitae), Labcorp).

NM_024666.5(AAGAB):c.415G>A (p.Val139Ile)

Gene: AAGAB (alpha and gamma adaptin binding protein; minus strand). Cytogenetic location: 15q23.
Variant type: single nucleotide variant.
Coding change: c.415G>A on transcript NM_024666.5 (MANE Select); coding-DNA position 415, G replaced by A.
Protein change: p.Val139Ile; replaces valine 139 with isoleucine.
Molecular consequence: missense variant.
Genome position (GRCh38, 1-based): chr15:67,236,015, C>T on the plus strand (G>A on the coding strand, the complement: AAGAB is on the minus strand). VCF-style: chr15-67236015-C-T. GRCh37 (hg19) VCF-style: chr15-67528353-C-T.
Other names: c.88G>A, p.Val30Ile (NM_001271885.2, NM_001271886.2); short protein forms V30I, V139I.
Identifiers: ClinVar variation 1510379 (VCV001510379.10), dbSNP rs138601241, ClinGen allele CA7627118.
Genomic context (GRCh38, chr15:67,236,015, plus strand): 5'-TTCTCCTAACACATAAACACTTACCATCCTCCTCAGGCAACTCCTCTGGACTAAGTTCTA[C>T]CAATTCAAAGCCATGTTTGATGCACCATTCTTGAGCTTTTTGTCGGTTTATACCTAAAAT-3'
Protein context (NP_078942.3, residues 129-149): EWCIKHGFEL[Val139Ile]ELSPEELPEE